The following is an entry in ClinVar:

ClinVar aggregate classification (germline): Uncertain significance. Review status: criteria provided, multiple submitters, no conflicts (2 of 4 stars). 2 submissions from 2 submitters: Uncertain significance (2). Last evaluated 2025-05-05.

Allele frequency attached by ClinVar (database versions not stated): ExAC 0.00003; gnomAD 0.00001; TOPMed 0.00004.
gnomAD v4.1: 98 of 1,612,292 alleles (0.0061%); highest among the groups gnomAD compares: Non-Finnish European, 0.0081%; no homozygotes.

Submissions (2):

Labcorp Genetics (formerly Invitae), Labcorp
Classification: Uncertain significance. Last evaluated: 2025-05-05. Review status: criteria provided, single submitter. Criteria: Invitae Variant Classification Sherloc (09022015). Collection method: clinical testing. Allele origin: germline.
Comment: This sequence change replaces glycine, which is neutral and non-polar, with aspartic acid, which is acidic and polar, at codon 222 of the LRRCC1 protein (p.Gly222Asp). This variant is present in population databases (rs775767871, gnomAD 0.005%). This variant has not been reported in the literature in individuals affected with LRRCC1-related conditions. ClinVar contains an entry for this variant (Variation ID: 2723567). An algorithm developed to predict the effect of missense changes on protein structure and function outputs the following: PolyPhen-2: "Benign". The aspartic acid amino acid residue is found in multiple mammalian species, which suggests that this missense change does not adversely affect protein function. In summary, the available evidence is currently insufficient to determine the role of this variant in disease. Therefore, it has been classified as a Variant of Uncertain Significance.

Ambry Genetics
Classification: Uncertain significance. Last evaluated: 2024-09-08. Review status: criteria provided, single submitter. Criteria: Ambry Variant Classification Scheme 2023. Collection method: clinical testing. Allele origin: germline.

NM_033402.5(LRRCC1):c.665G>A (p.Gly222Asp)

Gene: LRRCC1 (leucine rich repeat and coiled-coil centrosomal protein 1; plus strand). Cytogenetic location: 8q21.2.
Variant type: single nucleotide variant.
Coding change: c.665G>A on transcript NM_033402.5 (MANE Select); coding-DNA position 665, G replaced by A.
Protein change: p.Gly222Asp; replaces glycine 222 with aspartic acid.
Molecular consequence: missense variant. On other transcripts: intron variant (2).
Genome position (GRCh38, 1-based): chr8:85,115,220, G>A. VCF-style: chr8-85115220-G-A. GRCh37 (hg19) VCF-style: chr8-86027455-G-A.
Other names: c.386G>A, p.Gly129Asp (NM_001349636.2); c.239G>A, p.Gly80Asp (NM_001349637.2); c.33+2121G>A (NM_001349638.2); c.-14+2121G>A (NM_001349639.2); c.665G>A (NM_033402.4); short protein forms G80D, G129D, G222D.
Identifiers: ClinVar variation 2723567 (VCV002723567.4), dbSNP rs775767871, ClinGen allele CA4794445.